The following is an entry in ClinVar:

ClinVar aggregate classification (germline): Pathogenic (1 of 4 stars; one submission).

Conditions:
Ichthyosis linearis circumflexa. Identifiers: MedGen C0265962, MONDO:0043106, HP:0025810.

Submission:

Labcorp Genetics (formerly Invitae), Labcorp
Classification: Pathogenic for Ichthyosis linearis circumflexa. Last evaluated: 2022-04-25. Review status: criteria provided, single submitter. Criteria: Invitae Variant Classification Sherloc (09022015). Collection method: clinical testing. Allele origin: germline.
Comment: This variant is a gross deletion of the genomic region encompassing exon(s) 1-4 of the SPINK5 gene, which includes the initiator codon. This deletion extends beyond the assayed region for this gene and therefore may encompass additional genes. It is expected to result in an absent or disrupted protein product. Loss-of-function variants in SPINK5 are known to be pathogenic (PMID: 11511292, 11841556). This variant has not been reported in the literature in individuals affected with SPINK5-related conditions. For these reasons, this variant has been classified as Pathogenic.

Literature cited by the submitters: PubMed 11511292; PubMed 11841556.

NC_000005.9:g.(?_147443608)_(147451803_?)del

Gene: SPINK5 (serine peptidase inhibitor Kazal type 5; plus strand). Cytogenetic location: 5q32.
Variant type: Deletion.
Identifiers: ClinVar variation 1456239 (VCV001456239.6).